The following is an entry in ClinVar:

ClinVar aggregate classification (germline): Uncertain significance (1 of 4 stars; one submission).

Conditions:
Chopra-Amiel-Gordon syndrome (CAGS). Also called: ANKRD17-Related Neurodevelopmental Syndrome. Identifiers: MedGen C5561975, MONDO:0859186, OMIM 619504.

Submission:

Clinical Genetics Laboratory, University Hospital Schleswig-Holstein
Classification: Uncertain significance for Chopra-Amiel-Gordon syndrome. Last evaluated: 2025-06-13. Review status: criteria provided, single submitter. Criteria: ACMG Guidelines, 2015. Collection method: clinical testing. Allele origin: paternal. Affected: yes. Observed: 1 heterozygote.
Comment: ACMG criteria applied: PM2, PP2, PP3, BS4_Supporting

NM_032217.5(ANKRD17):c.1955A>C (p.Lys652Thr)

Gene: ANKRD17 (ankyrin repeat domain 17; minus strand). Cytogenetic location: 4q13.3.
Variant type: single nucleotide variant.
Coding change: c.1955A>C on transcript NM_032217.5 (MANE Select); coding-DNA position 1955, A replaced by C.
Protein change: p.Lys652Thr; replaces lysine 652 with threonine.
Molecular consequence: missense variant.
Genome position (GRCh38, 1-based): chr4:73,144,747, T>G on the plus strand (A>C on the coding strand, the complement: ANKRD17 is on the minus strand). VCF-style: chr4-73144747-T-G. GRCh37 (hg19) VCF-style: chr4-74010464-T-G.
Other names: c.1616A>C, p.Lys539Thr (NM_001286771.3); c.1955A>C, p.Lys652Thr (NM_015574.2, NM_198889.3); short protein forms K539T, K652T.
Identifiers: ClinVar variation 5042052 (VCV005042052.1).